The following is an entry in ClinVar:

NM_014795.4(ZEB2):c.74-1G>A

Gene: ZEB2 (zinc finger E-box binding homeobox 2; minus strand). Cytogenetic location: 2q22.3.
Variant type: single nucleotide variant.
Coding change: c.74-1G>A on transcript NM_014795.4 (MANE Select); the canonical splice acceptor site of the intron before coding-DNA position 74, G replaced by A.
Molecular consequence: splice acceptor variant.
Genome position (GRCh38, 1-based): chr2:144,430,027, C>T on the plus strand (G>A on the coding strand, the complement: ZEB2 is on the minus strand). VCF-style: chr2-144430027-C-T. GRCh37 (hg19) VCF-style: chr2-145187594-C-T.
Other names: c.74-1G>A (NM_001171653.2).
Identifiers: ClinVar variation 4711306 (VCV004711306.2).

ClinVar aggregate classification (germline): Conflicting classifications of pathogenicity. Review status: criteria provided, conflicting classifications (1 of 4 stars). 2 submissions from 2 submitters: Likely pathogenic (1); Uncertain significance (1). Last evaluated 2025-10-07.

Conditions:
Mowat-Wilson syndrome (MOWS). Also called: Classic Mowat-Wilson Syndrome. Identifiers: Orphanet 2152, MedGen C1856113, MONDO:0009341, OMIM 235730.

Submissions (2):

Labcorp Genetics (formerly Invitae), Labcorp
Classification: Likely pathogenic for Mowat-Wilson syndrome. Last evaluated: 2025-10-07. Review status: criteria provided, single submitter. Criteria: Invitae Variant Classification Sherloc (09022015). Collection method: clinical testing. Allele origin: germline.
Comment: This sequence change affects an acceptor splice site in intron 2 of the ZEB2 gene. It is expected to disrupt RNA splicing. Variants that disrupt the donor or acceptor splice site typically lead to a loss of protein function (PMID: 16199547), and loss-of-function variants in ZEB2 are known to be pathogenic (PMID: 16053902). This variant is present in population databases (rs764398998, gnomAD 0.01%). This variant has not been reported in the literature in individuals affected with ZEB2-related conditions. Algorithms developed to predict the effect of sequence changes on RNA splicing suggest that this variant may disrupt the consensus splice site. In summary, the currently available evidence indicates that the variant is pathogenic, but additional data are needed to prove that conclusively. Therefore, this variant has been classified as Likely Pathogenic.

GeneDx
Classification: Uncertain significance. Last evaluated: 2025-08-22. Review status: criteria provided, single submitter. Criteria: GeneDx Variant Classification Process June 2021. Collection method: clinical testing. Allele origin: germline. Affected: yes.
Comment: Canonical splice site variant predicted to result in an in-frame loss of the adjacent exon in a gene for which loss of function is a known mechanism of disease; Has not been previously published as pathogenic or benign to our knowledge

Literature cited by the submitters: PubMed 16199547 (cited by Labcorp Genetics (formerly Invitae), Labcorp); PubMed 16053902 (cited by Labcorp Genetics (formerly Invitae), Labcorp).